The following is an entry in ClinVar:

NM_000062.3(SERPING1):c.401dup (p.Ser135fs)

Gene: SERPING1 (serpin family G member 1; plus strand). Cytogenetic location: 11q12.1.
Variant type: Duplication.
Coding change: c.401dup on transcript NM_000062.3 (MANE Select); coding-DNA position 401, one base duplicated (A; older notation c.401dupA).
Protein change: p.Ser135fs; shifts the reading frame from serine 135.
Molecular consequence: frameshift variant.
Genome position (GRCh38, 1-based): chr11:57,600,228, A duplicated. VCF-style (leftmost placement, unchanged base first): chr11-57600227-G-GA. GRCh37 (hg19) VCF-style: chr11-57367700-G-GA.
Other names: c.401dup, p.Ser135fs (NM_001032295.2); short protein forms S135fs.
Identifiers: ClinVar variation 2751269 (VCV002751269.3), dbSNP rs2495426402, ClinGen allele CA2697548595.
Genomic context (GRCh38, chr11:57,600,227, plus strand): 5'-CCTACCCAGCCCACTACTGGGTCCTTCTGCCCAGGACCTGTTACTCTCTGCTCTGACTTG[G>GA]AGAGTCATTCAACAGAGGCCGTGTTGGGGGATGCTTTGGTAGATTTCTCCCTGAAGCTCT-3'

ClinVar aggregate classification (germline): Pathogenic (1 of 4 stars; one submission).

Submission:

Labcorp Genetics (formerly Invitae), Labcorp
Classification: Pathogenic. Last evaluated: 2023-08-08. Review status: criteria provided, single submitter. Criteria: Invitae Variant Classification Sherloc (09022015). Collection method: clinical testing. Allele origin: germline.
Comment: This sequence change creates a premature translational stop signal (p.Ser135Glufs*122) in the SERPING1 gene. It is expected to result in an absent or disrupted protein product. Loss-of-function variants in SERPING1 are known to be pathogenic (PMID: 11112899, 24456027). This variant is not present in population databases (gnomAD no frequency). This variant has not been reported in the literature in individuals affected with SERPING1-related conditions. For these reasons, this variant has been classified as Pathogenic.

Literature cited by the submitters: PubMed 11112899; PubMed 24456027.